The following is an entry in ClinVar:

ClinVar aggregate classification (germline): Pathogenic/Likely pathogenic. Review status: criteria provided, multiple submitters, no conflicts (2 of 4 stars). 7 submissions from 7 submitters: Pathogenic (5); Likely pathogenic (2). Last evaluated 2025-07-24.

Conditions:
Noonan syndrome 2 (NS2). Identifiers: Orphanet 648, MedGen C1854469, MONDO:0011531, OMIM 605275.
LZTR1-related schwannomatosis. Also called: Schwannomatosis 2; Schwannomatosis-2, susceptibility to. Identifiers: Orphanet 93921, MedGen C3810283, MONDO:0014299, OMIM 615670.
Noonan syndrome 10 (NS10). Identifiers: Orphanet 648, MedGen C4225280, MONDO:0014693, OMIM 616564.
Hereditary cancer-predisposing syndrome. Also called: Neoplastic Syndromes, Hereditary; Tumor predisposition; Hereditary neoplastic syndrome; Hereditary Cancer Syndrome. Identifiers: Orphanet 140162, MedGen C0027672, MeSH D009386, MONDO:0015356.
Cardiovascular phenotype. Identifiers: MedGen CN230736.
LZTR1-related disorder. Also called: LZTR1-related disorders; LZTR1-related condition.

Allele frequency attached by ClinVar (database versions not stated): ExAC 0.00001; gnomAD exomes 0.00001 and 0.00002; TOPMed 0.00001.

Submissions (8):

Department of Human Genetics, Hannover Medical School
Classification: Likely pathogenic for LZTR1-related schwannomatosis. Last evaluated: 2025-07-24. Review status: criteria provided, single submitter. Criteria: ACMG Guidelines, 2015. Collection method: clinical testing. Allele origin: germline. Affected: yes.
Comment: PVS1, PM2_Supporting

Ambry Genetics
Classification: Pathogenic for Cardiovascular phenotype; Hereditary cancer-predisposing syndrome. Last evaluated: 2025-06-27. Review status: criteria provided, single submitter. Criteria: Ambry Variant Classification Scheme 2023. Collection method: clinical testing. Allele origin: germline.
Comment: The c.1576C>T (p.Q526*) alteration, located in exon 14 (coding exon 14) of the LZTR1 gene, consists of a C to T substitution at nucleotide position 1576. This changes the amino acid from a glutamine (Q) to a stop codon at amino acid position 526. This alteration is expected to result in loss of function by premature protein truncation or nonsense-mediated mRNA decay. Loss of function variants in LZTR1 are related to an increased risk for schwannomas and autosomal recessive Noonan syndrome; however, such associations with autosomal dominant Noonan syndrome have not been observed (Piotrowski, 2014; Yamamoto, 2015; Johnston, 2018). Based on the available evidence, the LZTR1 c.1576C>T (p.Q526*) alteration is classified as pathogenic for an increased risk of LZTR1-related schwannomatosis (SWN) and autosomal recessive Noonan syndrome; however, it is unlikely to be causative of autosomal dominant Noonan syndrome. Based on data from gnomAD, the T allele has an overall frequency of 0.002% (5/234626) total alleles studied. The highest observed frequency was 0.004% (4/108212) of European (non-Finnish) alleles. This variant was reported in individual(s) with features consistent with LZTR1-related schwannomatosis (Louvrier, 2018). Based on the available evidence, this alteration is classified as pathogenic.

Labcorp Genetics (formerly Invitae), Labcorp
Classification: Pathogenic. Last evaluated: 2025-04-23. Review status: criteria provided, single submitter. Criteria: Invitae Variant Classification Sherloc (09022015). Collection method: clinical testing. Allele origin: germline.
Comment: This sequence change creates a premature translational stop signal (p.Gln526*) in the LZTR1 gene. It is expected to result in an absent or disrupted protein product. Loss-of-function variants in LZTR1 are known to be pathogenic (PMID: 24362817, 25335493, 25480913, 25795793, 29469822, 30368668, 30442762, 30442766, 30481304, 30859559). This variant is present in population databases (rs768530578, gnomAD 0.004%). This variant has not been reported in the literature in individuals affected with LZTR1-related conditions. ClinVar contains an entry for this variant (Variation ID: 967250). For these reasons, this variant has been classified as Pathogenic.

GeneDx
Classification: Pathogenic. Last evaluated: 2024-10-10. Review status: criteria provided, single submitter. Criteria: GeneDx Variant Classification Process June 2021. Collection method: clinical testing. Allele origin: germline. Affected: yes.
Comment: Nonsense variant predicted to result in protein truncation or nonsense mediated decay in a gene for which loss of function is a known mechanism of disease; Not observed at significant frequency in large population cohorts (gnomAD); Identified in the heterozygous state in an individual with schwannomatosis in published literature (PMID: 29409008); This variant is associated with the following publications: (PMID: 29409008)

Fulgent Genetics
Classification: Pathogenic for Noonan syndrome 2; LZTR1-related schwannomatosis; Noonan syndrome 10. Last evaluated: 2024-02-26. Review status: criteria provided, single submitter. Criteria: ACMG Guidelines, 2015. Collection method: clinical testing. Allele origin: germline.

Clinical Genomics Laboratory, Washington University in St. Louis
Classification: Pathogenic for Noonan syndrome 2. Last evaluated: 2023-11-27. Review status: criteria provided, single submitter. Criteria: ACMG Guidelines, 2015. Collection method: clinical testing. Allele origin: germline. Affected: yes.
Comment: The LZTR1 c.1576C>T (p.Gln526Ter) variant has been reported in the literature in a single individual with schwannomatosis, but no additional information was reported (Louvrier C et al., PMID: 29409008). This variant has been reported in the ClinVar database as a germline pathogenic variant by two submitters. This variant is only observed on 5/234,626 alleles in the general population (gnomAD v.2.1.1), indicating it is not a common variant. This variant causes a premature termination codon, which is predicted to lead to nonsense mediated decay. Based on available information and the ACMG/AMP guidelines for variant interpretation (Richards S et al., PMID: 25741868), this variant is classified as pathogenic.

Blueprint Genetics
Classification: Likely pathogenic for LZTR1-related disorders. Last evaluated: 2023-09-25. Review status: criteria provided, single submitter. Criteria: ACMG Guidelines, 2015. Collection method: clinical testing. Allele origin: germline. Affected: yes. Observed: 5 variant alleles.

Dr. Peter K. Rogan Lab, Western University
No classification provided (evidence only). Condition: Malignant tumor of urinary bladder. Review status: no classification provided. Collection method: in vitro. Allele origin: not applicable. Functional consequence: retained intron. Not counted in ClinVar's aggregate classification.

Literature cited by the submitters: PubMed 29409008 (cited by Ambry Genetics); PubMed 24362817 (cited by Labcorp Genetics (formerly Invitae), Labcorp); PubMed 25335493 (cited by Labcorp Genetics (formerly Invitae), Labcorp); PubMed 25480913 (cited by Labcorp Genetics (formerly Invitae), Labcorp); PubMed 25795793 (cited by Labcorp Genetics (formerly Invitae), Labcorp); PubMed 29469822 (cited by Labcorp Genetics (formerly Invitae), Labcorp); PubMed 30368668 (cited by Labcorp Genetics (formerly Invitae), Labcorp); PubMed 30442762 (cited by Labcorp Genetics (formerly Invitae), Labcorp); PubMed 30442766 (cited by Labcorp Genetics (formerly Invitae), Labcorp); PubMed 30481304 (cited by Labcorp Genetics (formerly Invitae), Labcorp); PubMed 30859559 (cited by Labcorp Genetics (formerly Invitae), Labcorp).

NM_006767.4(LZTR1):c.1576C>T (p.Gln526Ter)

Genes: LZTR1 (leucine zipper like post translational regulator 1; plus strand), THAP7 (THAP domain containing 7; minus strand). Cytogenetic location: 22q11.21.
Variant type: single nucleotide variant.
Coding change: c.1576C>T on transcript NM_006767.4 (MANE Select); coding-DNA position 1576, C replaced by T.
Protein change: p.Gln526Ter; replaces glutamine 526 with a stop codon.
Molecular consequence: nonsense.
Genome position (GRCh38, 1-based): chr22:20,994,230, C>T. VCF-style: chr22-20994230-C-T. GRCh37 (hg19) VCF-style: chr22-21348519-C-T.
Other names: short protein forms Q526*.
Identifiers: ClinVar variation 967250 (VCV000967250.18), dbSNP rs768530578, ClinGen allele CA10118945.